The following is an entry in ClinVar:

ClinVar aggregate classification (germline): Uncertain significance (1 of 4 stars; one submission).

Allele frequency attached by ClinVar (database versions not stated): TOPMed 0.00002; gnomAD 0.00001; ExAC 0.00005.

Submission:

Labcorp Genetics (formerly Invitae), Labcorp
Classification: Uncertain significance. Last evaluated: 2022-08-03. Review status: criteria provided, single submitter. Criteria: Invitae Variant Classification Sherloc (09022015). Collection method: clinical testing. Allele origin: germline.
Comment: This sequence change replaces leucine, which is neutral and non-polar, with phenylalanine, which is neutral and non-polar, at codon 50 of the SOX3 protein (p.Leu50Phe). This variant is present in population databases (rs751208480, gnomAD 0.03%). This variant has not been reported in the literature in individuals affected with SOX3-related conditions. Algorithms developed to predict the effect of missense changes on protein structure and function are either unavailable or do not agree on the potential impact of this missense change (SIFT: "Deleterious"; PolyPhen-2: "Benign"; Align-GVGD: "Class C0"). In summary, the available evidence is currently insufficient to determine the role of this variant in disease. Therefore, it has been classified as a Variant of Uncertain Significance.

NM_005634.3(SOX3):c.148C>T (p.Leu50Phe)

Genes: SOX3 (SRY-box transcription factor 3; minus strand), LOC108281134 (SOX3 promoter region; plus strand). Cytogenetic location: Xq27.1.
Variant type: single nucleotide variant.
Coding change: c.148C>T on transcript NM_005634.3 (MANE Select); coding-DNA position 148, C replaced by T.
Protein change: p.Leu50Phe; replaces leucine 50 with phenylalanine.
Molecular consequence: missense variant.
Genome position (GRCh38, 1-based): chrX:140,504,913, G>A on the plus strand (C>T on the coding strand, the complement: SOX3 is on the minus strand). VCF-style: chrX-140504913-G-A. GRCh37 (hg19) VCF-style: chrX-139587078-G-A.
Other names: short protein forms L50F.
Identifiers: ClinVar variation 2063216 (VCV002063216.4), dbSNP rs751208480, ClinGen allele CA10531672.
Genomic context (GRCh38, chrX:140,504,913, plus strand): 5'-GGTGCGCCAGCGTGGCGGGAGGAGAAGGCGCTCCCGGGGCTGGAGCGGCCACGGTGAAAA[G>A]GCCCTGGGACTCCGTCGGAGCGGAGCTTGGGGGCCTGTGGGCCAGCGAGTCCGGCGGGAA-3'
Protein context (NP_005625.2, residues 40-60): PSSAPTESQG[Leu50Phe]FTVAAPAPGA